The following is an entry in ClinVar:

ClinVar aggregate classification (germline): Uncertain significance (1 of 4 stars; one submission).

Submission:

GeneDx
Classification: Uncertain significance. Last evaluated: 2024-08-06. Review status: criteria provided, single submitter. Criteria: GeneDx Variant Classification Process June 2021. Collection method: clinical testing. Allele origin: germline. Affected: yes.
Comment: Not observed at significant frequency in large population cohorts (gnomAD); In silico analysis indicates that this variant does not alter splicing; Has not been previously published as pathogenic or benign to our knowledge

NM_001242896.3(DEPDC5):c.4034-3_4034-2del

Gene: DEPDC5 (DEP domain containing 5, GATOR1 subcomplex subunit; plus strand). Cytogenetic location: 22q12.3.
Variant type: Deletion.
Coding change: c.4034-3_4034-2del on transcript NM_001242896.3 (MANE Select); 3 bases into the intron before coding-DNA position 4034 through the canonical splice acceptor site of the intron before coding-DNA position 4034, 2 bases deleted (TA; older notation c.4034-3_4034-2delTA).
Molecular consequence: splice acceptor variant.
Genome position (GRCh38, 1-based): chr22:31,893,579-31,893,580, TA deleted; deleting any 2 consecutive bases within chr22:31,893,578-31,893,580 gives the same sequence; the c. name uses the placement nearest the transcript's 3' end. VCF-style (leftmost placement, unchanged base first): chr22-31893577-CAT-C. GRCh37 (hg19) VCF-style: chr22-32289563-CAT-C.
Other names: c.4034-3_4034-2del (NM_001364318.2); c.4007-3_4007-2del (NM_001136029.4); c.3941-3_3941-2del (NM_014662.6, NM_001369903.1); c.3968-3_3968-2del (NM_001363852.2, NM_001364320.2); c.3800-3_3800-2del (NM_001363854.2, NM_001364319.2); c.3734-3_3734-2del (NM_001242897.2); c.3950-3_3950-2del (NM_001369902.1, NM_001369901.1).
Identifiers: ClinVar variation 3603068 (VCV003603068.1).